The following is an entry in ClinVar:

ClinVar aggregate classification (germline): Uncertain significance (1 of 4 stars; one submission).

gnomAD v4.1: 2 of 1,614,150 alleles (0.00012%); highest among the groups gnomAD compares: East Asian, 0.0045%; no homozygotes.

Submission:

Ambry Genetics
Classification: Uncertain significance. Last evaluated: 2025-02-14. Review status: criteria provided, single submitter. Criteria: Ambry Variant Classification Scheme 2023. Collection method: clinical testing. Allele origin: germline.
Comment: The p.L567S variant (also known as c.1700T>C), located in coding exon 1 of the TET2 gene, results from a T to C substitution at nucleotide position 1700. The leucine at codon 567 is replaced by serine, an amino acid with dissimilar properties. This amino acid position is conserved. In addition, the in silico prediction for this alteration is inconclusive. Based on the available evidence, the clinical significance of this variant remains unclear.

NM_001127208.3(TET2):c.1700T>C (p.Leu567Ser)

Genes: TET2 (tet methylcytosine dioxygenase 2; plus strand), TET2-AS1 (TET2 antisense RNA 1; minus strand). Cytogenetic location: 4q24.
Variant type: single nucleotide variant.
Coding change: c.1700T>C on transcript NM_001127208.3 (MANE Select); coding-DNA position 1700, T replaced by C.
Protein change: p.Leu567Ser; replaces leucine 567 with serine.
Molecular consequence: missense variant.
Genome position (GRCh38, 1-based): chr4:105,235,642, T>C. VCF-style: chr4-105235642-T-C. GRCh37 (hg19) VCF-style: chr4-106156799-T-C.
Other names: c.1700T>C, p.Leu567Ser (NM_017628.4); short protein forms L567S.
Identifiers: ClinVar variation 3806055 (VCV003806055.1).